The following is an entry in ClinVar:

ClinVar aggregate classification (germline): Likely benign. Review status: criteria provided, single submitter (1 of 4 stars). 2 submissions from 2 submitters: Likely benign (1). 1 of the submissions does not count toward it. Last evaluated 2023-09-01.

Conditions:
FSIP2-related disorder. Also called: FSIP2-related condition.

Allele frequency attached by ClinVar (database versions not stated): gnomAD exomes 0.00042; ExAC 0.00180; 1000 Genomes Project 30x 0.00016; 1000 Genomes Project 0.00020.
gnomAD v4.1: 651 of 1,521,150 alleles (0.043%); highest among the groups gnomAD compares: South Asian, 0.24%; 3 homozygotes.

Submissions (2):

CeGaT Center for Human Genetics Tuebingen
Classification: Likely benign. Last evaluated: 2023-09-01. Review status: criteria provided, single submitter. Criteria: CeGaT Center For Human Genetics Tuebingen Variant Classification Criteria Version 2. Collection method: clinical testing. Allele origin: germline. Affected: yes. Observed: 1 variant allele.
Comment: FSIP2: BP4, BP7

PreventionGenetics, part of Exact Sciences
Classification: Likely benign for FSIP2-related condition. Last evaluated: 2019-05-28. Review status: no assertion criteria provided. Collection method: clinical testing. Allele origin: germline. Not counted in ClinVar's aggregate classification.
Comment: This variant is classified as likely benign based on ACMG/AMP sequence variant interpretation guidelines (Richards et al. 2015 PMID: 25741868, with internal and published modifications).

NM_173651.4(FSIP2):c.10470C>T (p.Tyr3490=)

Genes: FSIP2 (fibrous sheath interacting protein 2; plus strand), FSIP2-AS1 (FSIP2 antisense RNA 1; minus strand). Cytogenetic location: 2q32.1.
Variant type: single nucleotide variant.
Coding change: c.10470C>T on transcript NM_173651.4 (MANE Select); coding-DNA position 10470, C replaced by T.
Protein change: p.Tyr3490=; no amino-acid change (tyrosine 3490 retained).
Molecular consequence: synonymous variant.
Genome position (GRCh38, 1-based): chr2:185,799,776, C>T. VCF-style: chr2-185799776-C-T. GRCh37 (hg19) VCF-style: chr2-186664503-C-T.
Other names: c.10470C>T (NM_173651.3).
Identifiers: ClinVar variation 2582990 (VCV002582990.26), dbSNP rs200741240, ClinGen allele CA2016916.